The following is an entry in ClinVar:

ClinVar aggregate classification (germline): Likely benign. Review status: criteria provided, multiple submitters, no conflicts (2 of 4 stars). 2 submissions from 2 submitters: Likely benign (2). Last evaluated 2025-03-31.

Conditions:
Nephronophthisis. Also called: Juvenile Nephronophthisis. Identifiers: Orphanet 655, MedGen C0687120, MONDO:0019005, HP:0000090.
NPHP1-related disorder. Also called: NPHP1-related condition; NPHP1-related disorders.

Allele frequency attached by ClinVar (database versions not stated): TOPMed below 0.00001; gnomAD 0.00001.
gnomAD v4.1: 10 of 1,608,438 alleles (0.00062%); highest among the groups gnomAD compares: Admixed American, 0.0017%; no homozygotes.

Submissions (2):

PreventionGenetics, part of Exact Sciences
Classification: Likely benign for NPHP1-related condition. Last evaluated: 2025-03-31. Review status: criteria provided, single submitter. Criteria: ACMG Guidelines, 2015. Collection method: clinical testing. Allele origin: germline.
Comment: This variant is classified as likely benign based on ACMG/AMP sequence variant interpretation guidelines (Richards et al. 2015 PMID: 25741868, with internal and published modifications).

Labcorp Genetics (formerly Invitae), Labcorp
Classification: Likely benign for Nephronophthisis. Last evaluated: 2024-01-28. Review status: criteria provided, single submitter. Criteria: Invitae Variant Classification Sherloc (09022015). Collection method: clinical testing. Allele origin: germline.

NM_001128178.3(NPHP1):c.1643-8C>A

Gene: NPHP1 (nephrocystin 1; minus strand). Cytogenetic location: 2q13.
Variant type: single nucleotide variant.
Coding change: c.1643-8C>A on transcript NM_001128178.3 (MANE Select); 8 bases into the intron before coding-DNA position 1643, C replaced by A.
Molecular consequence: intron variant.
Genome position (GRCh38, 1-based): chr2:110,129,267, G>T on the plus strand (C>A on the coding strand, the complement: NPHP1 is on the minus strand). VCF-style: chr2-110129267-G-T. GRCh37 (hg19) VCF-style: chr2-110886844-G-T.
Other names: c.1811-8C>A (NM_000272.3, NM_000272.5); c.1454-8C>A (NM_001128179.3); c.1640-8C>A (NM_001374256.1); c.1643-8C>A (NM_001374257.1); c.1808-8C>A (NM_207181.4).
Identifiers: ClinVar variation 1124375 (VCV001124375.10), dbSNP rs1328392742, ClinGen allele CA535158857.
Genomic context (GRCh38, chr2:110,129,267, plus strand): 5'-AGGCTGCTCCAAGAGCATGGGGAAGGTGGCCAGCATGGGATGGCTAATTAAATCTGAAAT[G>T]CAAAACAACAGAAAGAATTTTATGCAAACTTCACTCAATGGATTTTATTGCAATAGACAC-3'